The following is an entry in ClinVar:

ClinVar aggregate classification (germline): Pathogenic (1 of 4 stars; one submission).

Conditions:
Catecholaminergic polymorphic ventricular tachycardia 1. Also called: VENTRICULAR TACHYCARDIA, STRESS-INDUCED POLYMORPHIC 1; VENTRICULAR TACHYCARDIA, CATECHOLAMINERGIC POLYMORPHIC, 1, WITH OR WITHOUT ATRIAL DYSFUNCTION AND/OR DILATED CARDIOMYOPATHY; RYR2-Related Catecholaminergic Polymorphic Ventricular Tachycardia. Identifiers: Orphanet 3286, MedGen C1631597, MONDO:0011484, OMIM 604772.

Submission:

Labcorp Genetics (formerly Invitae), Labcorp
Classification: Pathogenic for Catecholaminergic polymorphic ventricular tachycardia 1. Last evaluated: 2022-08-10. Review status: criteria provided, single submitter. Criteria: Invitae Variant Classification Sherloc (09022015). Collection method: clinical testing. Allele origin: germline.
Comment: For these reasons, this variant has been classified as Pathogenic. Advanced modeling of protein sequence and biophysical properties (such as structural, functional, and spatial information, amino acid conservation, physicochemical variation, residue mobility, and thermodynamic stability) performed at Invitae indicates that this missense variant is expected to disrupt RYR2 protein function. ClinVar contains an entry for this variant (Variation ID: 1451617). This missense change has been observed in individual(s) with clinical features of RYR2-related conditions (Invitae). In at least one individual the variant was observed to be de novo. This variant is not present in population databases (gnomAD no frequency). This sequence change replaces glutamic acid, which is acidic and polar, with lysine, which is basic and polar, at codon 2405 of the RYR2 protein (p.Glu2405Lys).

NM_001035.3(RYR2):c.7213G>A (p.Glu2405Lys)

Gene: RYR2 (ryanodine receptor 2; plus strand). Cytogenetic location: 1q43.
Variant type: single nucleotide variant.
Coding change: c.7213G>A on transcript NM_001035.3 (MANE Select); coding-DNA position 7213, G replaced by A.
Protein change: p.Glu2405Lys; replaces glutamic acid 2405 with lysine.
Molecular consequence: missense variant.
Genome position (GRCh38, 1-based): chr1:237,640,994, G>A. VCF-style: chr1-237640994-G-A. GRCh37 (hg19) VCF-style: chr1-237804294-G-A.
Other names: short protein forms E2405K.
Identifiers: ClinVar variation 1451617 (VCV001451617.9), dbSNP rs2148739141, ClinGen allele CA345396814.